The following is an entry in ClinVar:

NM_000528.4(MAN2B1):c.2006C>G (p.Pro669Arg)

Gene: MAN2B1 (mannosidase alpha class 2B member 1; minus strand). Cytogenetic location: 19p13.13.
Variant type: single nucleotide variant.
Coding change: c.2006C>G on transcript NM_000528.4 (MANE Select); coding-DNA position 2006, C replaced by G.
Protein change: p.Pro669Arg; replaces proline 669 with arginine.
Molecular consequence: missense variant.
Genome position (GRCh38, 1-based): chr19:12,652,193, G>C on the plus strand (C>G on the coding strand, the complement: MAN2B1 is on the minus strand). VCF-style: chr19-12652193-G-C. GRCh37 (hg19) VCF-style: chr19-12763007-G-C.
Other names: c.2003C>G, p.Pro668Arg (NM_001173498.2); short protein forms P668R, P669R.
Identifiers: ClinVar variation 2169298 (VCV002169298.1), dbSNP rs75029862, ClinGen allele CA404244034.

ClinVar aggregate classification (germline): Uncertain significance (1 of 4 stars; one submission).

Conditions:
Deficiency of alpha-mannosidase (MANSA). Also called: Mannosidosis, alpha-, types I and II; LYSOSOMAL ALPHA-D-MANNOSIDASE DEFICIENCY; Alpha-Mannosidosis. Identifiers: Orphanet 61, MedGen C0024748, MONDO:0009561, OMIM 248500.

Submission:

Labcorp Genetics (formerly Invitae), Labcorp
Classification: Uncertain significance for Deficiency of alpha-mannosidase. Last evaluated: 2022-10-03. Review status: criteria provided, single submitter. Criteria: Invitae Variant Classification Sherloc (09022015). Collection method: clinical testing. Allele origin: germline.
Comment: This sequence change replaces proline, which is neutral and non-polar, with arginine, which is basic and polar, at codon 669 of the MAN2B1 protein (p.Pro669Arg). This variant is present in population databases (no rsID available, gnomAD 0.007%). This variant has not been reported in the literature in individuals affected with MAN2B1-related conditions. Advanced modeling of protein sequence and biophysical properties (such as structural, functional, and spatial information, amino acid conservation, physicochemical variation, residue mobility, and thermodynamic stability) has been performed at Invitae for this missense variant, however the output from this modeling did not meet the statistical confidence thresholds required to predict the impact of this variant on MAN2B1 protein function. In summary, the available evidence is currently insufficient to determine the role of this variant in disease. Therefore, it has been classified as a Variant of Uncertain Significance.